The following is an entry in ClinVar:

NM_001276345.2(TNNT2):c.518A>G (p.Glu173Gly)

Gene: TNNT2 (troponin T2, cardiac type; minus strand). Cytogenetic location: 1q32.1.
Variant type: single nucleotide variant.
Coding change: c.518A>G on transcript NM_001276345.2 (MANE Select); coding-DNA position 518, A replaced by G.
Protein change: p.Glu173Gly; replaces glutamic acid 173 with glycine.
Molecular consequence: missense variant.
Genome position (GRCh38, 1-based): chr1:201,363,378, T>C on the plus strand (A>G on the coding strand, the complement: TNNT2 is on the minus strand). VCF-style: chr1-201363378-T-C. GRCh37 (hg19) VCF-style: chr1-201332506-T-C.
Other names: c.488A>G (NM_001001430.1); c.518A>G, p.Glu173Gly (NM_000364.4); c.488A>G, p.Glu163Gly (NM_001001430.3, NM_001001431.3, NM_001276347.2); c.473A>G, p.Glu158Gly (NM_001001432.3); c.398A>G, p.Glu133Gly (NM_001276346.2); short protein forms E133G, E173G, E158G, E163G.
Identifiers: ClinVar variation 1470217 (VCV001470217.7), dbSNP rs780067626, ClinGen allele CA089030.

ClinVar aggregate classification (germline): Uncertain significance. Review status: criteria provided, multiple submitters, no conflicts (2 of 4 stars). 6 submissions from 4 submitters: Uncertain significance (6). Last evaluated 2026-06-06.

Conditions:
Dilated cardiomyopathy 1D. Identifiers: Orphanet 154, Orphanet 54260, MedGen C1832243, MONDO:0011095, OMIM 601494.
Cardiomyopathy, familial restrictive, 3. Identifiers: Orphanet 75249, MedGen C2676271, MONDO:0012900, OMIM 612422.
Hypertrophic cardiomyopathy 2. Also called: TNNT2-Related Familial Hypertrophic Cardiomyopathy. Identifiers: MedGen C1861864, MONDO:0007266, OMIM 115195.
Cardiovascular phenotype. Identifiers: MedGen CN230736.

Allele frequency attached by ClinVar (database versions not stated): ExAC 0.00001; gnomAD exomes 0.00001 and below 0.00001.
gnomAD v4.1: 7 of 1,613,828 alleles (0.00043%); highest among the groups gnomAD compares: Non-Finnish European, 0.00059%; no homozygotes.

Submissions (6):

Ambry Genetics
Classification: Uncertain significance for Cardiovascular phenotype. Last evaluated: 2026-06-06. Review status: criteria provided, single submitter. Criteria: Ambry Variant Classification Scheme 2023. Collection method: clinical testing. Allele origin: germline.
Comment: The p.E163G variant (also known as c.488A>G), located in coding exon 10 of the TNNT2 gene, results from an A to G substitution at nucleotide position 488. The glutamic acid at codon 163 is replaced by glycine, an amino acid with similar properties. This amino acid position is conserved. In addition, the in silico prediction for this alteration is inconclusive. Based on the available evidence, the clinical significance of this variant remains unclear.

Genome-Nilou Lab
Classification: Uncertain significance for Dilated cardiomyopathy 1D. Last evaluated: 2023-04-11. Review status: criteria provided, single submitter. Criteria: ACMG Guidelines, 2015. Collection method: clinical testing. Allele origin: germline. Affected: no.

Genome-Nilou Lab
Classification: Uncertain significance for Cardiomyopathy, familial restrictive, 3. Last evaluated: 2023-04-11. Review status: criteria provided, single submitter. Criteria: ACMG Guidelines, 2015. Collection method: clinical testing. Allele origin: germline. Affected: no.

Genome-Nilou Lab
Classification: Uncertain significance for Hypertrophic cardiomyopathy 2. Last evaluated: 2023-04-11. Review status: criteria provided, single submitter. Criteria: ACMG Guidelines, 2015. Collection method: clinical testing. Allele origin: germline. Affected: no.

Labcorp Genetics (formerly Invitae), Labcorp
Classification: Uncertain significance for Cardiomyopathy, familial restrictive, 3; Hypertrophic cardiomyopathy 2; Dilated cardiomyopathy 1D. Last evaluated: 2021-09-01. Review status: criteria provided, single submitter. Criteria: Invitae Variant Classification Sherloc (09022015). Collection method: clinical testing. Allele origin: germline.
Comment: This sequence change replaces glutamic acid with glycine at codon 163 of the TNNT2 protein (p.Glu163Gly). The glutamic acid residue is highly conserved and there is a moderate physicochemical difference between glutamic acid and glycine. This variant is present in population databases (rs780067626, ExAC 0.001%). This variant has not been reported in the literature in individuals affected with TNNT2-related conditions. Algorithms developed to predict the effect of missense changes on protein structure and function are either unavailable or do not agree on the potential impact of this missense change (SIFT: "Deleterious"; PolyPhen-2: "Possibly Damaging"; Align-GVGD: "Class C0"). This variant disrupts the p.Glu163 amino acid residue in TNNT2. Other variant(s) that disrupt this residue have been determined to be pathogenic (PMID: 7898523, 22112859, 22144547, 27532257). This suggests that this residue is clinically significant, and that variants that disrupt this residue are likely to be disease-causing. In summary, the available evidence is currently insufficient to determine the role of this variant in disease. Therefore, it has been classified as a Variant of Uncertain Significance.

AiLife Diagnostics
Classification: Uncertain significance. Last evaluated: 2021-06-07. Review status: criteria provided, single submitter. Criteria: ACMG Guidelines, 2015. Collection method: clinical testing. Allele origin: germline. Affected: yes. Observed: 1 variant allele.

Literature cited by the submitters: PubMed 7898523 (cited by Labcorp Genetics (formerly Invitae), Labcorp); PubMed 22112859 (cited by Labcorp Genetics (formerly Invitae), Labcorp); PubMed 22144547 (cited by Labcorp Genetics (formerly Invitae), Labcorp); PubMed 27532257 (cited by Labcorp Genetics (formerly Invitae), Labcorp).